The following is an entry in ClinVar:

NM_001080449.3(DNA2):c.679A>G (p.Lys227Glu)

Gene: DNA2 (DNA replication helicase/nuclease 2; minus strand). Cytogenetic location: 10q21.3.
Variant type: single nucleotide variant.
Coding change: c.679A>G on transcript NM_001080449.3 (MANE Select); coding-DNA position 679, A replaced by G.
Protein change: p.Lys227Glu; replaces lysine 227 with glutamic acid.
Molecular consequence: missense variant. On other transcripts: non-coding transcript variant (1).
Genome position (GRCh38, 1-based): chr10:68,459,144, T>C on the plus strand (A>G on the coding strand, the complement: DNA2 is on the minus strand). VCF-style: chr10-68459144-T-C. GRCh37 (hg19) VCF-style: chr10-70218901-T-C.
Other names: K313E; short protein forms K227E.
Identifiers: ClinVar variation 41478 (VCV000041478.4), dbSNP rs760412883, ClinGen allele CA5525240.
Genomic context (GRCh38, chr10:68,459,144, plus strand): 5'-AAACAAAATGTGTTTCTTACAGAGAGAGCTGCATCTGAGGGAAGTCAGTCGAAGTGTTTT[T>C]ATGCATGAAATCTCCTGCCCATTTACAAAACGAAGGAAGATAGTCCTCTACTTCTTGTTT-3'
Protein context (NP_001073918.2, residues 217-237): FCKWAGDFMH[Lys227Glu]NTSTDFPQMQ

ClinVar aggregate classification (germline): Uncertain significance. Review status: criteria provided, single submitter (1 of 4 stars). 2 submissions from 2 submitters: Uncertain significance (1). 1 of the submissions does not count toward it. Last evaluated 2024-07-31.

Conditions:
Mitochondrial DNA deletion syndrome with progressive myopathy. Also called: PROGRESSIVE EXTERNAL OPHTHALMOPLEGIA, AUTOSOMAL DOMINANT 6; Progressive external ophthalmoplegia with mitochondrial DNA deletions, autosomal dominant 6. Identifiers: Orphanet 352470, MedGen C3554599, MONDO:0014062, OMIM 615156.

Allele frequency attached by ClinVar (database versions not stated): TOPMed below 0.00001; gnomAD 0.00001; gnomAD exomes 0.00001; ExAC 0.00004.
gnomAD v4.1: 9 of 1,599,256 alleles (0.00056%); highest among the groups gnomAD compares: Non-Finnish European, 0.00077%; no homozygotes.

Submissions (2):

Labcorp Genetics (formerly Invitae), Labcorp
Classification: Uncertain significance. Last evaluated: 2024-07-31. Review status: criteria provided, single submitter. Criteria: Invitae Variant Classification Sherloc (09022015). Collection method: clinical testing. Allele origin: germline.
Comment: This sequence change replaces lysine, which is basic and polar, with glutamic acid, which is acidic and polar, at codon 227 of the DNA2 protein (p.Lys227Glu). This variant is present in population databases (rs760412883, gnomAD 0.002%). This missense change has been observed in individual(s) with autosomal dominant DNA2-related conditions (PMID: 23352259). ClinVar contains an entry for this variant (Variation ID: 41478). Advanced modeling of protein sequence and biophysical properties (such as structural, functional, and spatial information, amino acid conservation, physicochemical variation, residue mobility, and thermodynamic stability) performed at Invitae indicates that this missense variant is not expected to disrupt DNA2 protein function with a negative predictive value of 80%. Experimental studies have shown that this missense change affects DNA2 function (PMID: 23352259). In summary, the available evidence is currently insufficient to determine the role of this variant in disease. Therefore, it has been classified as a Variant of Uncertain Significance.

OMIM
Classification: Pathogenic for PROGRESSIVE EXTERNAL OPHTHALMOPLEGIA WITH MITOCHONDRIAL DNA DELETIONS, AUTOSOMAL DOMINANT 6. Last evaluated: 2013-02-07. Review status: no assertion criteria provided. Collection method: literature only. Allele origin: germline. Not counted in ClinVar's aggregate classification.

Literature cited by the submitters: PubMed 23352259 (cited by Labcorp Genetics (formerly Invitae), Labcorp and OMIM).